The following is an entry in ClinVar:

ClinVar aggregate classification (germline): Uncertain significance (1 of 4 stars; one submission).

gnomAD v4.1: 4 of 1,613,812 alleles (0.00025%); highest among the groups gnomAD compares: Middle Eastern, 0.016%; no homozygotes.

Submission:

Mayo Clinic Laboratories, Mayo Clinic
Classification: Uncertain significance. Last evaluated: 2024-05-13. Review status: criteria provided, single submitter. Criteria: ACMG Guidelines, 2015. Collection method: clinical testing. Allele origin: germline. Observed: 1 variant allele.
Comment: BP4, PM2_moderate

NM_024747.6(HPS6):c.856G>T (p.Gly286Trp)

Gene: HPS6 (HPS6 biogenesis of lysosomal organelles complex 2 subunit 3; plus strand). Cytogenetic location: 10q24.32.
Variant type: single nucleotide variant.
Coding change: c.856G>T on transcript NM_024747.6 (MANE Select); coding-DNA position 856, G replaced by T.
Protein change: p.Gly286Trp; replaces glycine 286 with tryptophan.
Molecular consequence: missense variant.
Genome position (GRCh38, 1-based): chr10:102,066,330, G>T. VCF-style: chr10-102066330-G-T. GRCh37 (hg19) VCF-style: chr10-103826087-G-T.
Other names: p.Gly286Trp; short protein forms G286W.
Identifiers: ClinVar variation 3379988 (VCV003379988.1).